The following is an entry in ClinVar:

NM_001123385.2(BCOR):c.2008C>A (p.Pro670Thr)

Gene: BCOR (BCL6 corepressor; minus strand). Cytogenetic location: Xp11.4.
Variant type: single nucleotide variant.
Coding change: c.2008C>A on transcript NM_001123385.2 (MANE Select); coding-DNA position 2008, C replaced by A.
Protein change: p.Pro670Thr; replaces proline 670 with threonine.
Molecular consequence: missense variant.
Genome position (GRCh38, 1-based): chrX:40,073,338, G>T on the plus strand (C>A on the coding strand, the complement: BCOR is on the minus strand). VCF-style: chrX-40073338-G-T. GRCh37 (hg19) VCF-style: chrX-39932591-G-T.
Other names: c.2008C>A, p.Pro670Thr (NM_001123383.2, NM_001123384.2, NM_017745.6); short protein forms P670T.
Identifiers: ClinVar variation 2574942 (VCV002574942.1), dbSNP rs148886271, ClinGen allele CA412743905.

ClinVar aggregate classification (germline): Uncertain significance (1 of 4 stars; one submission).

gnomAD v4.1: 4 of 1,211,104 alleles (0.00033%); highest among the groups gnomAD compares: Non-Finnish European, 0.00045%; no homozygotes.

Submission:

GeneDx
Classification: Uncertain significance. Last evaluated: 2023-02-06. Review status: criteria provided, single submitter. Criteria: GeneDx Variant Classification Process June 2021. Collection method: clinical testing. Allele origin: germline. Affected: yes.
Comment: Not observed at significant frequency in large population cohorts (gnomAD); In silico analysis supports that this missense variant has a deleterious effect on protein structure/function; Has not been previously published as pathogenic or benign to our knowledge